The following is an entry in ClinVar:

NM_001384140.1(PCDH15):c.3502-133C>T

Gene: PCDH15 (protocadherin related 15; minus strand). Cytogenetic location: 10q21.1.
Variant type: single nucleotide variant.
Coding change: c.3502-133C>T on transcript NM_001384140.1 (MANE Select); 133 bases into the intron before coding-DNA position 3502, C replaced by T.
Molecular consequence: intron variant.
Genome position (GRCh38, 1-based): chr10:53,866,990, G>A on the plus strand (C>T on the coding strand, the complement: PCDH15 is on the minus strand). VCF-style: chr10-53866990-G-A. GRCh37 (hg19) VCF-style: chr10-55626750-G-A.
Other names: c.3502-133C>T (NM_001354420.2, NM_001354429.2, NM_001142772.2 and 4 more transcripts); c.3517-133C>T (NM_001142771.2, NM_001142763.2); c.3523-133C>T (NM_001354411.2); c.3538-133C>T (NM_001142769.3); c.3436-133C>T (NM_001354404.2, NM_001142773.2, NM_001142768.2); c.3391-133C>T (NM_001142767.2); c.3289-133C>T (NM_001142765.2).
Identifiers: ClinVar variation 678863 (VCV000678863.2), dbSNP rs7904289, ClinGen allele CA13331767.

ClinVar aggregate classification (germline): Benign. Review status: criteria provided, multiple submitters, no conflicts (2 of 4 stars). 2 submissions from 2 submitters: Benign (2). Last evaluated 2018-06-14.

Allele frequency attached by ClinVar (database versions not stated): TOPMed 0.78422; 1000 Genomes Project 0.85443; gnomAD exomes 0.73411; 1000 Genomes Project 30x 0.85166.
gnomAD v4.1: 493,136 of 663,604 alleles (74%); highest among the groups gnomAD compares: East Asian, 100%; 186,583 homozygotes.

Submissions (2):

GeneDx
Classification: Benign. Last evaluated: 2018-06-14. Review status: criteria provided, single submitter. Criteria: GeneDx Variant Classification (06012015). Collection method: clinical testing. Allele origin: germline. Affected: yes.
Comment: This variant is considered likely benign or benign based on one or more of the following criteria: it is a conservative change, it occurs at a poorly conserved position in the protein, it is predicted to be benign by multiple in silico algorithms, and/or has population frequency not consistent with disease.

Breakthrough Genomics
Classification: Benign. Review status: criteria provided, single submitter. Criteria: ACMG Guidelines, 2015. Collection method: not provided. Allele origin: germline. Inheritance: Autosomal recessive inheritance. Affected: yes.